The following is an entry in ClinVar:

ClinVar aggregate classification (germline): Uncertain significance. Review status: criteria provided, multiple submitters, no conflicts (2 of 4 stars). 2 submissions from 2 submitters: Uncertain significance (2). Last evaluated 2025-12-08.

Conditions:
NFAT5-related disorder. Also called: NFAT5-related condition.
Immunodeficiency. Identifiers: MedGen C0021051, MONDO:0021094, HP:0002721.

Allele frequency attached by ClinVar (database versions not stated): gnomAD exomes below 0.00001; ExAC 0.00001; gnomAD 0.00001; TOPMed 0.00003; ESP Exome Variant Server 0.00015.
gnomAD v4.1: 2 of 1,610,510 alleles (0.00012%); highest among the groups gnomAD compares: Non-Finnish European, 0.00017%; no homozygotes.

Submissions (2):

Labcorp Genetics (formerly Invitae), Labcorp
Classification: Uncertain significance for Immunodeficiency. Last evaluated: 2025-12-08. Review status: criteria provided, single submitter. Criteria: Invitae Variant Classification Sherloc (09022015). Collection method: clinical testing. Allele origin: germline.
Comment: This sequence change replaces glycine, which is neutral and non-polar, with alanine, which is neutral and non-polar, at codon 1369 of the NFAT5 protein (p.Gly1369Ala). This variant is present in population databases (rs151172191, gnomAD 0.0009%). This variant has not been reported in the literature in individuals affected with NFAT5-related conditions. ClinVar contains an entry for this variant (Variation ID: 1016960). An algorithm developed to predict the effect of missense changes on protein structure and function (PolyPhen-2) suggests that this variant is likely to be disruptive. In summary, the available evidence is currently insufficient to determine the role of this variant in disease. Therefore, it has been classified as a Variant of Uncertain Significance.

PreventionGenetics, part of Exact Sciences
Classification: Uncertain significance for NFAT5-related condition. Last evaluated: 2024-10-12. Review status: criteria provided, single submitter. Criteria: ACMG Guidelines, 2015. Collection method: clinical testing. Allele origin: germline.
Comment: The NFAT5 c.4106G>C variant is predicted to result in the amino acid substitution p.Gly1369Ala. To our knowledge, this variant has not been reported in the literature. This variant is reported in 0.00091% of alleles in individuals of European (Non-Finnish) descent in gnomAD. At this time, the clinical significance of this variant is uncertain due to the absence of conclusive functional and genetic evidence.

NM_138713.4(NFAT5):c.4388G>C (p.Gly1463Ala)

Gene: NFAT5 (nuclear factor of activated T cells 5; plus strand). Cytogenetic location: 16q22.1.
Variant type: single nucleotide variant.
Coding change: c.4388G>C on transcript NM_138713.4 (MANE Select); coding-DNA position 4388, G replaced by C.
Protein change: p.Gly1463Ala; replaces glycine 1463 with alanine.
Molecular consequence: missense variant.
Genome position (GRCh38, 1-based): chr16:69,694,213, G>C. VCF-style: chr16-69694213-G-C. GRCh37 (hg19) VCF-style: chr16-69728116-G-C.
Other names: c.4106G>C (NM_138714.3); c.4385G>C, p.Gly1462Ala (NM_001113178.3); c.3713G>C, p.Gly1238Ala (NM_001367709.1); c.4334G>C, p.Gly1445Ala (NM_006599.4); c.4106G>C, p.Gly1369Ala (NM_138714.4, NM_173214.3, NM_173215.3); short protein forms G1238A, G1369A, G1445A, G1462A, G1463A.
Identifiers: ClinVar variation 1016960 (VCV001016960.9), dbSNP rs151172191, ClinGen allele CA8136045.